The following is an entry in ClinVar:

ClinVar aggregate classification (germline): Uncertain significance (1 of 4 stars; one submission).

Conditions:
Hereditary cancer-predisposing syndrome. Also called: Tumor predisposition; Hereditary neoplastic syndrome; Neoplastic Syndromes, Hereditary; Hereditary Cancer Syndrome. Identifiers: Orphanet 140162, MedGen C0027672, MeSH D009386, MONDO:0015356.

Submission:

Ambry Genetics
Classification: Uncertain significance for Hereditary cancer-predisposing syndrome. Last evaluated: 2025-06-11. Review status: criteria provided, single submitter. Criteria: Ambry Variant Classification Scheme 2023. Collection method: clinical testing. Allele origin: germline.
Comment: The c.3119_3121dupCTA variant (also known as p.T1040dup), located in coding exon 10 of the BRCA2 gene, results from an in-frame duplication of CTA at nucleotide positions 3119 to 3121. This results in the duplication of an extra threonine residue between codons 1040 and 1041. This amino acid position is not well conserved in available vertebrate species. In addition, this variant is predicted to be deleterious by in silico analysis (Choi Y et al. PLoS ONE. 2012; 7(10):e46688). Based on the available evidence, the clinical significance of this variant remains unclear.

NM_000059.4(BRCA2):c.3116CTA[3] (p.Thr1040_Ser1041insThr)

Gene: BRCA2 (BRCA2 DNA repair associated; plus strand). Cytogenetic location: 13q13.1.
Variant type: Microsatellite.
Coding change: c.3116CTA[3] on transcript NM_000059.4 (MANE Select); three copies in a row of the 3-base unit CTA starting at c.3116; the reference has two copies in a row; one copy, 3 bases duplicated.
Protein change: p.Thr1040_Ser1041insThr.
Molecular consequence: inframe indel (on NM_000059.3). On other transcripts: non-coding transcript variant (1), intron variant (2).
Genome position (GRCh38, 1-based): chr13:32,337,474-32,337,476, CTA duplicated; duplicating any 3 consecutive bases within chr13:32,337,471-32,337,476 gives the same sequence; the position shown is the placement nearest the transcript's 3' end. VCF-style (leftmost placement, unchanged base first): chr13-32337470-C-CCTA. GRCh37 (hg19) VCF-style: chr13-32911607-C-CCTA.
Other names: c.3116_3118CTA[3], p.Thr1040_Ser1041insThr (NM_000059.3); c.3116CTA[3], p.Thr1040_Ser1041insThr (NM_001406719.1, NM_001406720.1, NM_001432077.1); c.3119_3121dupCTA (NM_000059.3); c.1909+4084CTA[3] (NM_001406721.1); c.424+6441CTA[3] (NM_001406722.1).
Identifiers: ClinVar variation 3992847 (VCV003992847.1).